The following is an entry in ClinVar:

NM_001111125.3(IQSEC2):c.2807T>C (p.Ile936Thr)

Gene: IQSEC2 (IQ motif and Sec7 domain ArfGEF 2; minus strand). Cytogenetic location: Xp11.22.
Variant type: single nucleotide variant.
Coding change: c.2807T>C on transcript NM_001111125.3 (MANE Select); coding-DNA position 2807, T replaced by C.
Protein change: p.Ile936Thr; replaces isoleucine 936 with threonine.
Molecular consequence: missense variant.
Genome position (GRCh38, 1-based): chrX:53,243,414, A>G on the plus strand (T>C on the coding strand, the complement: IQSEC2 is on the minus strand). VCF-style: chrX-53243414-A-G. GRCh37 (hg19) VCF-style: chrX-53272596-A-G.
Other names: c.2807T>C, p.Ile936Thr (NM_001410736.1); c.2192T>C, p.Ile731Thr (NM_015075.2); short protein forms I731T, I936T.
Identifiers: ClinVar variation 3634899 (VCV003634899.2).

ClinVar aggregate classification (germline): Uncertain significance (1 of 4 stars; one submission).

Conditions:
Intellectual developmental disorder, X-linked 1. Also called: Atkin Flaitz Patil Smith syndrome; MENTAL RETARDATION, X-LINKED 18; MENTAL RETARDATION, X-LINKED 78; Intellectual disability, X-linked 1. Identifiers: Orphanet 777, MedGen C2931498, MONDO:0010656, OMIM 309530.

Submission:

Labcorp Genetics (formerly Invitae), Labcorp
Classification: Uncertain significance for Intellectual developmental disorder, X-linked 1. Last evaluated: 2024-08-07. Review status: criteria provided, single submitter. Criteria: Invitae Variant Classification Sherloc (09022015). Collection method: clinical testing. Allele origin: germline.
Comment: This sequence change replaces isoleucine, which is neutral and non-polar, with threonine, which is neutral and polar, at codon 936 of the IQSEC2 protein (p.Ile936Thr). This variant is not present in population databases (gnomAD no frequency). This variant has not been reported in the literature in individuals affected with IQSEC2-related conditions. Advanced modeling of protein sequence and biophysical properties (such as structural, functional, and spatial information, amino acid conservation, physicochemical variation, residue mobility, and thermodynamic stability) performed at Invitae indicates that this missense variant is expected to disrupt IQSEC2 protein function with a positive predictive value of 95%. In summary, the available evidence is currently insufficient to determine the role of this variant in disease. Therefore, it has been classified as a Variant of Uncertain Significance.